The following is an entry in ClinVar:

NM_001379270.1(CNGA1):c.545+6T>C

Genes: CNGA1 (cyclic nucleotide gated channel subunit alpha 1; minus strand), LOC101927157 (uncharacterized LOC101927157; plus strand). Cytogenetic location: 4p12.
Variant type: single nucleotide variant.
Coding change: c.545+6T>C on transcript NM_001379270.1 (MANE Select); 6 bases into the intron after coding-DNA position 545, T replaced by C.
Molecular consequence: intron variant.
Genome position (GRCh38, 1-based): chr4:47,942,035, A>G on the plus strand (T>C on the coding strand, the complement: CNGA1 is on the minus strand). VCF-style: chr4-47942035-A-G. GRCh37 (hg19) VCF-style: chr4-47944052-A-G.
Other names: c.545+6T>C (NM_000087.5, NM_001142564.2).
Identifiers: ClinVar variation 1372061 (VCV001372061.4), dbSNP rs760641898, ClinGen allele CA2911257.
Genomic context (GRCh38, chr4:47,942,035, plus strand): 5'-TCAGTGAACTTGGAAACTAGAAATGGGGTGAGATCCACAAAAAAAAAAAAAAAAAATTAT[A>G]GACACCTGGCAATAACCATTGTCCAGTTGTACATAACAGGTAATGTGATGCAAAACAGCC-3'

ClinVar aggregate classification (germline): Uncertain significance (1 of 4 stars; one submission).

Allele frequency attached by ClinVar (database versions not stated): gnomAD 0.00001; gnomAD exomes 0.00001; TOPMed 0.00001; ExAC 0.00002.
gnomAD v4.1: 29 of 1,558,516 alleles (0.0019%); highest among the groups gnomAD compares: Non-Finnish European, 0.0026%; no homozygotes.

Submission:

Labcorp Genetics (formerly Invitae), Labcorp
Classification: Uncertain significance. Last evaluated: 2021-11-05. Review status: criteria provided, single submitter. Criteria: Invitae Variant Classification Sherloc (09022015). Collection method: clinical testing. Allele origin: germline.
Comment: This sequence change falls in intron 9 of the CNGA1 gene. It does not directly change the encoded amino acid sequence of the CNGA1 protein. It affects a nucleotide within the consensus splice site. In summary, the available evidence is currently insufficient to determine the role of this variant in disease. Therefore, it has been classified as a Variant of Uncertain Significance. Variants that disrupt the consensus splice site are a relatively common cause of aberrant splicing (PMID: 17576681, 9536098). Algorithms developed to predict the effect of sequence changes on RNA splicing suggest that this variant is not likely to affect RNA splicing. This variant has been observed in individual(s) with peripheral vision loss, bone spicules, abnormal fundus, and optic nerve atrophy (Invitae). This variant is present in population databases (rs760641898, gnomAD 0.002%).

Literature cited by the submitters: PubMed 17576681; PubMed 9536098.